The following is an entry in ClinVar:

ClinVar aggregate classification (germline): Benign/Likely benign. Review status: criteria provided, multiple submitters, no conflicts (2 of 4 stars). 3 submissions from 3 submitters: Benign (1); Likely benign (2). Last evaluated 2026-03-01.

Allele frequency attached by ClinVar (database versions not stated): gnomAD exomes 0.00012 and 0.00033; ExAC 0.00043; 1000 Genomes Project 30x 0.00094; 1000 Genomes Project 0.00100; gnomAD 0.00140 and 0.00156; TOPMed 0.00144; ESP Exome Variant Server 0.00153.
gnomAD v4.1: 393 of 1,613,126 alleles (0.024%); highest among the groups gnomAD compares: African/African-American, 0.49%; no homozygotes.

Submissions (3):

CeGaT Center for Human Genetics Tuebingen
Classification: Likely benign. Last evaluated: 2026-03-01. Review status: criteria provided, single submitter. Criteria: CeGaT Center For Human Genetics Tuebingen Variant Classification Criteria Version 2. Collection method: clinical testing. Allele origin: germline. Affected: yes. Observed: 2 variant alleles.
Comment: RTTN: BP4, BP7

Labcorp Genetics (formerly Invitae), Labcorp
Classification: Benign. Last evaluated: 2025-09-30. Review status: criteria provided, single submitter. Criteria: Invitae Variant Classification Sherloc (09022015). Collection method: clinical testing. Allele origin: germline.

GeneDx
Classification: Likely benign. Last evaluated: 2020-10-23. Review status: criteria provided, single submitter. Criteria: GeneDx Variant Classification Process June 2021. Collection method: clinical testing. Allele origin: germline. Affected: yes.

NM_173630.4(RTTN):c.3003C>T (p.Tyr1001=)

Gene: RTTN (rotatin; minus strand). Cytogenetic location: 18q22.2.
Variant type: single nucleotide variant.
Coding change: c.3003C>T on transcript NM_173630.4 (MANE Select); coding-DNA position 3003, C replaced by T.
Protein change: p.Tyr1001=; no amino-acid change (tyrosine 1001 retained).
Molecular consequence: synonymous variant.
Genome position (GRCh38, 1-based): chr18:70,128,498, G>A on the plus strand (C>T on the coding strand, the complement: RTTN is on the minus strand). VCF-style: chr18-70128498-G-A. GRCh37 (hg19) VCF-style: chr18-67795734-G-A.
Other names: c.267C>T, p.Tyr89= (NM_001318520.2).
Identifiers: ClinVar variation 387844 (VCV000387844.19), dbSNP rs200031043, ClinGen allele CA8995687.